The following is an entry in ClinVar:

NM_020223.4(FAM20C):c.323A>T (p.Glu108Val)

Gene: FAM20C (FAM20C golgi associated secretory pathway kinase; plus strand). Cytogenetic location: 7p22.3.
Variant type: single nucleotide variant.
Coding change: c.323A>T on transcript NM_020223.4 (MANE Select); coding-DNA position 323, A replaced by T.
Protein change: p.Glu108Val; replaces glutamic acid 108 with valine.
Molecular consequence: missense variant.
Genome position (GRCh38, 1-based): chr7:193,522, A>T. VCF-style: chr7-193522-A-T. GRCh37 (hg19) VCF-style: chr7-193522-A-T.
Other names: short protein forms E108V.
Identifiers: ClinVar variation 4870764 (VCV004870764.1).

ClinVar aggregate classification (germline): Uncertain significance (1 of 4 stars; one submission).

Conditions:
Inborn genetic diseases. Identifiers: MedGen C0950123, MeSH D030342.

gnomAD v4.1: 5 of 1,499,768 alleles (0.00033%); highest among the groups gnomAD compares: Admixed American, 0.0086%; no homozygotes.

Submission:

Ambry Genetics
Classification: Uncertain significance for Inborn genetic diseases. Last evaluated: 2026-04-15. Review status: criteria provided, single submitter. Criteria: Ambry Variant Classification Scheme 2023. Collection method: clinical testing. Allele origin: germline.
Comment: The c.323A>T (p.E108V) alteration is located in exon 1 (coding exon 1) of the FAM20C gene. This alteration results from a A to T substitution at nucleotide position 323, causing the glutamic acid (E) at amino acid position 108 to be replaced by a valine (V). Based on data from gnomAD, the T allele has an overall frequency of 0.003% (3/111510) total alleles studied. The highest observed frequency was 0.032% (1/3124) of Other alleles. Based on insufficient or conflicting evidence, the clinical significance of this alteration remains unclear.